The following is an entry in ClinVar:

ClinVar aggregate classification (germline): Benign. Review status: criteria provided, multiple submitters, no conflicts (2 of 4 stars). 3 submissions from 3 submitters: Benign (3). Last evaluated 2024-11-27.

Allele frequency attached by ClinVar (database versions not stated): 1000 Genomes Project 0.03794; 1000 Genomes Project 30x 0.03951; TOPMed 0.06794; gnomAD 0.07677 and 0.07885; gnomAD exomes 0.07723 and 0.10201; ESP Exome Variant Server 0.07863; ExAC 0.08195.
gnomAD v4.1: 158,581 of 1,602,260 alleles (9.9%); highest among the groups gnomAD compares: Non-Finnish European, 12%; 9,212 homozygotes.

Submissions (3):

Blueprint Genetics
Classification: Benign. Last evaluated: 2024-11-27. Review status: criteria provided, single submitter. Criteria: ACMG Guidelines, 2015. Collection method: clinical testing. Allele origin: germline.

GeneDx
Classification: Benign. Last evaluated: 2013-11-26. Review status: criteria provided, single submitter. Criteria: GeneDx Variant Classification (06012015). Collection method: clinical testing. Allele origin: germline. Affected: yes.
Comment: This variant is considered likely benign or benign based on one or more of the following criteria: it is a conservative change, it occurs at a poorly conserved position in the protein, it is predicted to be benign by multiple in silico algorithms, and/or has population frequency not consistent with disease.

Breakthrough Genomics
Classification: Benign. Review status: criteria provided, single submitter. Criteria: ACMG Guidelines, 2015. Collection method: not provided. Allele origin: germline. Inheritance: Autosomal dominant inheritance. Affected: yes.

NM_000834.5(GRIN2B):c.-15G>A

Gene: GRIN2B (glutamate ionotropic receptor NMDA type subunit 2B; minus strand). Cytogenetic location: 12p13.1.
Variant type: single nucleotide variant.
Coding change: c.-15G>A on transcript NM_000834.5 (MANE Select); 15 bases upstream of the start codon, G replaced by A.
Molecular consequence: 5 prime UTR variant.
Genome position (GRCh38, 1-based): chr12:13,866,223, C>T on the plus strand (G>A on the coding strand, the complement: GRIN2B is on the minus strand). VCF-style: chr12-13866223-C-T. GRCh37 (hg19) VCF-style: chr12-14019157-C-T.
Identifiers: ClinVar variation 137514 (VCV000137514.3), dbSNP rs12818068, ClinGen allele CA291126.